The following is an entry in ClinVar:

NM_152564.5(VPS13B):c.10508C>A (p.Pro3503His)

Gene: VPS13B (vacuolar protein sorting 13 homolog B; plus strand). Cytogenetic location: 8q22.2.
Variant type: single nucleotide variant.
Coding change: c.10508C>A on transcript NM_152564.5 (MANE Select); coding-DNA position 10508, C replaced by A.
Protein change: p.Pro3503His; replaces proline 3503 with histidine.
Molecular consequence: missense variant.
Genome position (GRCh38, 1-based): chr8:99,853,897, C>A. VCF-style: chr8-99853897-C-A. GRCh37 (hg19) VCF-style: chr8-100866125-C-A.
Other names: c.10583C>A, p.Pro3528His (NM_017890.5); c.10583C>A (NM_017890.3); c.10508C>A (NM_152564.4); short protein forms P3528H, P3503H.
Identifiers: ClinVar variation 1427471 (VCV001427471.8), dbSNP rs773013716, ClinGen allele CA4824959.
Genomic context (GRCh38, chr8:99,853,897, plus strand): 5'-CCTTAAATGAAGGCAAGAGCATCCTCTGTGATATTAATGAGTTCAGCTTTGAATTAAAAC[C>A]TGCTCGGTTATACGTGGAAGACACATTTGTATACTACATCAAGACTTTGTTTGACACCTA-3'
Protein context (NP_689777.3, residues 3493-3513): DINEFSFELK[Pro3503His]ARLYVEDTFV

ClinVar aggregate classification (germline): Uncertain significance. Review status: criteria provided, multiple submitters, no conflicts (2 of 4 stars). 4 submissions from 4 submitters: Uncertain significance (4). Last evaluated 2026-04-03.

Conditions:
Inborn genetic diseases. Identifiers: MedGen C0950123, MeSH D030342.
VPS13B-related disorder. Also called: VPS13B-related condition.
Cohen syndrome (COH1). Also called: PEPPER SYNDROME; Cutis verticis gyrata, retinitis pigmentosa, and sensorineural deafness. Identifiers: Orphanet 193, MedGen C0265223, MONDO:0008999, OMIM 216550.

Allele frequency attached by ClinVar (database versions not stated): gnomAD 0.00001; gnomAD exomes 0.00002 and 0.00012; TOPMed 0.00003; ExAC 0.00008.
gnomAD v4.1: 34 of 1,614,084 alleles (0.0021%); highest among the groups gnomAD compares: Admixed American, 0.052%; no homozygotes.

Submissions (4):

PreventionGenetics, part of Exact Sciences
Classification: Uncertain significance for VPS13B-related condition. Last evaluated: 2026-04-03. Review status: criteria provided, single submitter. Criteria: ACMG Guidelines, 2015. Collection method: clinical testing. Allele origin: germline.
Comment: The VPS13B c.10508C>A variant is predicted to result in the amino acid substitution p.Pro3503His. This variant can be described as c.10583C>A (p.Pro3528His) using an alternate transcript (NM_017890). To our knowledge, this variant has not been reported in the literature. This variant is reported in 0.087% of alleles in individuals of Latino descent in gnomAD, which is likely too common for an undocumented disease-causing variant. Although we suspect that this variant may be benign, at this time, the clinical significance of this variant is uncertain due to the absence of conclusive functional and genetic evidence.

Women's Health and Genetics/Laboratory Corporation of America, LabCorp
Classification: Uncertain significance. Last evaluated: 2026-01-23. Review status: criteria provided, single submitter. Criteria: LabCorp Variant Classification Summary - May 2015. Collection method: clinical testing. Allele origin: germline.

Ambry Genetics
Classification: Uncertain significance for Inborn genetic diseases. Last evaluated: 2022-09-08. Review status: criteria provided, single submitter. Criteria: Ambry Variant Classification Scheme 2023. Collection method: clinical testing. Allele origin: germline.

Labcorp Genetics (formerly Invitae), Labcorp
Classification: Uncertain significance for Cohen syndrome. Last evaluated: 2022-08-23. Review status: criteria provided, single submitter. Criteria: Invitae Variant Classification Sherloc (09022015). Collection method: clinical testing. Allele origin: germline.
Comment: This sequence change replaces proline with histidine at codon 3528 of the VPS13B protein (p.Pro3528His). The proline residue is highly conserved and there is a moderate physicochemical difference between proline and histidine. This variant is present in population databases (rs773013716, gnomAD 0.09%). This variant has not been reported in the literature in individuals affected with VPS13B-related conditions. ClinVar contains an entry for this variant (Variation ID: 1427471). Algorithms developed to predict the effect of missense changes on protein structure and function are either unavailable or do not agree on the potential impact of this missense change (SIFT: "Not Available"; PolyPhen-2: "Possibly Damaging"; Align-GVGD: "Not Available"). In summary, the available evidence is currently insufficient to determine the role of this variant in disease. Therefore, it has been classified as a Variant of Uncertain Significance.